The following is an entry in ClinVar:

ClinVar aggregate classification (germline): Uncertain significance (1 of 4 stars; one submission).

Conditions:
Inborn genetic diseases. Identifiers: MedGen C0950123, MeSH D030342.

Allele frequency attached by ClinVar (database versions not stated): ExAC 0.00001; gnomAD 0.00001; TOPMed 0.00001.
gnomAD v4.1: 1 of 1,613,982 alleles (0.000062%); highest among the groups gnomAD compares: African/African-American, 0.0013%; no homozygotes.

Submission:

Ambry Genetics
Classification: Uncertain significance for Inborn genetic diseases. Last evaluated: 2023-02-15. Review status: criteria provided, single submitter. Criteria: Ambry Variant Classification Scheme 2023. Collection method: clinical testing. Allele origin: germline.
Comment: The p.L523F variant (also known as c.1567C>T), located in coding exon 17 of the ERCC2 gene, results from a C to T substitution at nucleotide position 1567. The leucine at codon 523 is replaced by phenylalanine, an amino acid with highly similar properties. This amino acid position is conserved. In addition, this alteration is predicted to be deleterious by in silico analysis. Since supporting evidence is limited at this time, the clinical significance of this alteration remains unclear.

NM_000400.4(ERCC2):c.1567C>T (p.Leu523Phe)

Gene: ERCC2 (ERCC excision repair 2, TFIIH core complex helicase subunit; minus strand). Cytogenetic location: 19q13.32.
Variant type: single nucleotide variant.
Coding change: c.1567C>T on transcript NM_000400.4 (MANE Select); coding-DNA position 1567, C replaced by T.
Protein change: p.Leu523Phe; replaces leucine 523 with phenylalanine.
Molecular consequence: missense variant.
Genome position (GRCh38, 1-based): chr19:45,354,828, G>A on the plus strand (C>T on the coding strand, the complement: ERCC2 is on the minus strand). VCF-style: chr19-45354828-G-A. GRCh37 (hg19) VCF-style: chr19-45858086-G-A.
Other names: short protein forms L523F.
Identifiers: ClinVar variation 2447139 (VCV002447139.2), dbSNP rs748368283, ClinGen allele CA9513198.